The following is an entry in ClinVar:

ClinVar aggregate classification (germline): Uncertain significance. Review status: criteria provided, multiple submitters, no conflicts (2 of 4 stars). 2 submissions from 2 submitters: Uncertain significance (2). Last evaluated 2023-06-02.

Allele frequency attached by ClinVar (database versions not stated): gnomAD 0.00002; gnomAD exomes 0.00002 and 0.00005; TOPMed 0.00003; ExAC 0.00004; ESP Exome Variant Server 0.00008.

Submissions (2):

Ambry Genetics
Classification: Uncertain significance. Last evaluated: 2023-06-02. Review status: criteria provided, single submitter. Criteria: Ambry Variant Classification Scheme 2023. Collection method: clinical testing. Allele origin: germline.

Labcorp Genetics (formerly Invitae), Labcorp
Classification: Uncertain significance. Last evaluated: 2022-03-22. Review status: criteria provided, single submitter. Criteria: Invitae Variant Classification Sherloc (09022015). Collection method: clinical testing. Allele origin: germline.
Comment: This variant is present in population databases (rs147208271, gnomAD 0.05%). This variant has not been reported in the literature in individuals affected with SIPA1L3-related conditions. Algorithms developed to predict the effect of missense changes on protein structure and function output the following: SIFT: "Deleterious"; PolyPhen-2: "Benign"; Align-GVGD: "Class C0". The asparagine amino acid residue is found in multiple mammalian species, which suggests that this missense change does not adversely affect protein function. In summary, the available evidence is currently insufficient to determine the role of this variant in disease. Therefore, it has been classified as a Variant of Uncertain Significance. This sequence change replaces aspartic acid, which is acidic and polar, with asparagine, which is neutral and polar, at codon 24 of the SIPA1L3 protein (p.Asp24Asn).

NM_015073.3(SIPA1L3):c.70G>A (p.Asp24Asn)

Gene: SIPA1L3 (signal induced proliferation associated 1 like 3; plus strand). Cytogenetic location: 19q13.13.
Variant type: single nucleotide variant.
Coding change: c.70G>A on transcript NM_015073.3 (MANE Select); coding-DNA position 70, G replaced by A.
Protein change: p.Asp24Asn; replaces aspartic acid 24 with asparagine.
Molecular consequence: missense variant.
Genome position (GRCh38, 1-based): chr19:38,081,635, G>A. VCF-style: chr19-38081635-G-A. GRCh37 (hg19) VCF-style: chr19-38572275-G-A.
Other names: c.70G>A (NM_015073.1); short protein forms D24N.
Identifiers: ClinVar variation 1520571 (VCV001520571.7), dbSNP rs147208271, ClinGen allele CA9409019.